The following is an entry in ClinVar:

NM_001110556.2(FLNA):c.606G>A (p.Val202=)

Gene: FLNA (filamin A; minus strand). Cytogenetic location: Xq28.
Variant type: single nucleotide variant.
Coding change: c.606G>A on transcript NM_001110556.2 (MANE Select); coding-DNA position 606, G replaced by A.
Protein change: p.Val202=; no amino-acid change (valine 202 retained).
Molecular consequence: synonymous variant.
Genome position (GRCh38, 1-based): chrX:154,367,858, C>T on the plus strand (G>A on the coding strand, the complement: FLNA is on the minus strand). VCF-style: chrX-154367858-C-T. GRCh37 (hg19) VCF-style: chrX-153596226-C-T.
Other names: c.606G>A, p.Val202= (NM_001456.4).
Identifiers: ClinVar variation 5007536 (VCV005007536.2).

ClinVar aggregate classification (germline): Uncertain significance (1 of 4 stars; one submission).

Conditions:
Frontometaphyseal dysplasia 1 (FMD1). Also called: Frontometaphyseal Dysplasia (FLNA-FMD). Identifiers: Orphanet 1826, MedGen C4281559, MONDO:0024550, OMIM 305620.
Oto-palato-digital syndrome, type I (OPD1). Also called: OPD I SYNDROME; OPD SYNDROME 1; Otopalatodigital Syndrome, Type I; Otopalatodigital Syndrome Type 1 (FLNA-OPD1); Taybi syndrome. Identifiers: Orphanet 669, Orphanet 90650, MedGen C0265251, MONDO:0010704, OMIM 311300.
Oto-palato-digital syndrome, type II (OPD2). Also called: OPD II SYNDROME; Otopalatodigital Syndrome, Type II; Otopalatodigital Syndrome Type 2 (FLNA-OPD2); FACIOPALATOOSSEOUS SYNDROME. Identifiers: Orphanet 669, Orphanet 90652, MedGen C1844696, MONDO:0010571, OMIM 304120.
Melnick-Needles syndrome (MNS). Also called: MELNICK-NEEDLES OSTEODYSPLASTY; OSTEODYSPLASTY OF MELNICK AND NEEDLES; Melnick-Needles Syndrome (FLNA-MNS). Identifiers: Orphanet 2484, MedGen C0025237, MONDO:0010650, OMIM 309350.
FG syndrome 2 (FGS2). Identifiers: MedGen C1845902, MONDO:0010297, OMIM 300321.
Cardiac valvular dysplasia, X-linked (CVDPX). Also called: FLNA-Related X-linked Cardiac Valvular Dysplasia; MYXOMATOUS VALVULAR DYSTROPHY, X-LINKED; Isolated X-Linked Cardiac Valvular Dysplasia; VALVULAR HEART DISEASE, CONGENITAL; Congenital valvular dysplasia. Identifiers: Orphanet 1864, Orphanet 555877, Orphanet 75497, MedGen C0262436, MONDO:0010753, OMIM 314400.
Terminal osseous dysplasia-pigmentary defects syndrome. Also called: ODPD; ODPF SYNDROME; OSSEOUS DYSPLASIA, DIGITAL, WITH FACIAL PIGMENTARY DEFECTS AND MULTIPLE FRENULA; TERMINAL OSSEOUS DYSPLASIA AND PIGMENTARY DEFECTS; Terminal Osseous Dysplasia (FLNA-TOD). Identifiers: Orphanet 88630, MedGen C1846129, MONDO:0010279, OMIM 300244.
Intestinal pseudoobstruction, neuronal, chronic idiopathic, X-linked (CIIPX). Also called: INTESTINAL PSEUDOOBSTRUCTION, NEURONAL, CHRONIC IDIOPATHIC, WITH CENTRAL NERVOUS SYSTEM INVOLVEMENT; FLNA-Related Periventricular Nodular Heterotopia (FLNA-Related PVNH; Huttenlocher Syndrome); CONGENITAL IDIOPATHIC INTESTINAL PSEUDOOBSTRUCTION. Identifiers: Orphanet 2301, MedGen C2746068, MONDO:0010232, OMIM 300048.
Heterotopia, periventricular, X-linked dominant (PVNH1). Also called: PERIVENTRICULAR NODULAR HETEROTOPIA 1; PERIVENTRICULAR NODULAR HETEROTOPIA 4; HETEROTOPIA, PERIVENTRICULAR, 1; X-linked periventricular heterotopia. Identifiers: Orphanet 2149, Orphanet 82004, MedGen C1848213, MONDO:0010233, OMIM 300049.

Submission:

Juno Genomics, Hangzhou Juno Genomics, Inc
Classification: Uncertain significance for FG syndrome 2; Cardiac valvular dysplasia, X-linked; Intestinal pseudoobstruction, neuronal, chronic idiopathic, X-linked; Frontometaphyseal dysplasia 1; Heterotopia, periventricular, X-linked dominant; Melnick-Needles syndrome; Oto-palato-digital syndrome, type I; Oto-palato-digital syndrome, type II; Terminal osseous dysplasia-pigmentary defects syndrome. Review status: criteria provided, single submitter. Criteria: ACMG Guidelines, 2015. Collection method: clinical testing. Allele origin: germline.
Comment: Absent from controls (or at extremely low frequency if recessive) in Genome Aggregation Database.;Multiple lines of computational evidence support a deleterious effect on the gene or gene product.